The following is an entry in ClinVar:

NM_052813.5(CARD9):c.1424G>A (p.Arg475Gln)

Gene: CARD9 (caspase recruitment domain family member 9; minus strand). Cytogenetic location: 9q34.3.
Variant type: single nucleotide variant.
Coding change: c.1424G>A on transcript NM_052813.5 (MANE Select); coding-DNA position 1424, G replaced by A.
Protein change: p.Arg475Gln; replaces arginine 475 with glutamine.
Molecular consequence: missense variant.
Genome position (GRCh38, 1-based): chr9:136,365,151, C>T on the plus strand (G>A on the coding strand, the complement: CARD9 is on the minus strand). VCF-style: chr9-136365151-C-T. GRCh37 (hg19) VCF-style: chr9-139259603-C-T.
Other names: c.1424G>A, p.Arg475Gln (NM_052814.4); c.1424G>A (NM_052813.4); short protein forms R475Q.
Identifiers: ClinVar variation 1366984 (VCV001366984.6), dbSNP rs374115294, ClinGen allele CA5332642.
Genomic context (GRCh38, chr9:136,365,151, plus strand): 5'-GTCACCCTGAGGCCCACGGCTGGGAGGACCCCACCCCGGGGAAGCCTTACATGGGGGTTC[C>T]GCAAAACCTGCTCCTGGTGCAGAGCTGCAAAGGGCTGTTTCGGGCTCCCCCCGCCGGCAA-3'
Protein context (NP_434700.2, residues 465-485): FAALHQEQVL[Arg475Gln]NPHDAGLSSG

ClinVar aggregate classification (germline): Uncertain significance. Review status: criteria provided, multiple submitters, no conflicts (2 of 4 stars). 2 submissions from 2 submitters: Uncertain significance (2). Last evaluated 2025-08-07.

Conditions:
Inborn genetic diseases. Identifiers: MedGen C0950123, MeSH D030342.
Predisposition to invasive fungal disease due to CARD9 deficiency (IMD103). Also called: Candidiasis, familial, 2, autosomal recessive; CARD9 IMMUNODEFICIENCY; IMMUNODEFICIENCY 103, SUSCEPTIBILITY TO FUNGAL INFECTIONS. Identifiers: Orphanet 457088, MedGen C1859353, MONDO:0008905, OMIM 212050.

Allele frequency attached by ClinVar (database versions not stated): ExAC 0.00005; gnomAD 0.00006 and 0.00007; ESP Exome Variant Server 0.00008.

Submissions (2):

Ambry Genetics
Classification: Uncertain significance for Inborn genetic diseases. Last evaluated: 2025-08-07. Review status: criteria provided, single submitter. Criteria: Ambry Variant Classification Scheme 2023. Collection method: clinical testing. Allele origin: germline.

Labcorp Genetics (formerly Invitae), Labcorp
Classification: Uncertain significance for Predisposition to invasive fungal disease due to CARD9 deficiency. Last evaluated: 2022-05-19. Review status: criteria provided, single submitter. Criteria: Invitae Variant Classification Sherloc (09022015). Collection method: clinical testing. Allele origin: germline.
Comment: This sequence change replaces arginine, which is basic and polar, with glutamine, which is neutral and polar, at codon 475 of the CARD9 protein (p.Arg475Gln). This variant is present in population databases (rs374115294, gnomAD 0.02%). This variant has not been reported in the literature in individuals affected with CARD9-related conditions. Algorithms developed to predict the effect of missense changes on protein structure and function output the following: SIFT: "Tolerated"; PolyPhen-2: "Benign"; Align-GVGD: "Class C0". The glutamine amino acid residue is found in multiple mammalian species, which suggests that this missense change does not adversely affect protein function. In summary, the available evidence is currently insufficient to determine the role of this variant in disease. Therefore, it has been classified as a Variant of Uncertain Significance.